The following is an entry in ClinVar:

ClinVar aggregate classification (germline): Uncertain significance (1 of 4 stars; one submission).

Submission:

Labcorp Genetics (formerly Invitae), Labcorp
Classification: Uncertain significance. Last evaluated: 2024-09-29. Review status: criteria provided, single submitter. Criteria: Invitae Variant Classification Sherloc (09022015). Collection method: clinical testing. Allele origin: germline.
Comment: This sequence change replaces arginine, which is basic and polar, with tryptophan, which is neutral and slightly polar, at codon 24 of the PAX4 protein (p.Arg24Trp). This variant is present in population databases (rs151008936, gnomAD 0.02%). This variant has not been reported in the literature in individuals affected with PAX4-related conditions. An algorithm developed to predict the effect of missense changes on protein structure and function (PolyPhen-2) suggests that this variant is likely to be disruptive. In summary, the available evidence is currently insufficient to determine the role of this variant in disease. Therefore, it has been classified as a Variant of Uncertain Significance.

NM_001366110.1(PAX4):c.94C>T (p.Arg32Trp)

Gene: PAX4 (paired box 4; minus strand). Cytogenetic location: 7q32.1.
Variant type: single nucleotide variant.
Coding change: c.94C>T on transcript NM_001366110.1 (MANE Select); coding-DNA position 94, C replaced by T.
Protein change: p.Arg32Trp; replaces arginine 32 with tryptophan.
Molecular consequence: missense variant.
Genome position (GRCh38, 1-based): chr7:127,615,451, G>A on the plus strand (C>T on the coding strand, the complement: PAX4 is on the minus strand). VCF-style: chr7-127615451-G-A. GRCh37 (hg19) VCF-style: chr7-127255505-G-A.
Other names: c.94C>T, p.Arg32Trp (NM_001366111.1); short protein forms R32W.
Identifiers: ClinVar variation 3711851 (VCV003711851.2).